The following is an entry in ClinVar:

ClinVar aggregate classification (germline): Uncertain significance (1 of 4 stars; one submission).

Conditions:
Familial episodic pain syndrome with predominantly lower limb involvement. Also called: Episodic pain syndrome, familial, 3. Identifiers: Orphanet 391384, Orphanet 391392, MedGen C3809899, MONDO:0014247, OMIM 615552.
Hereditary sensory and autonomic neuropathy type 7. Also called: Neuropathy, hereditary sensory and autonomic, type VII; HSAN VII. Identifiers: Orphanet 391397, MedGen C3809882, MONDO:0014244, OMIM 615548.

Submission:

Labcorp Genetics (formerly Invitae), Labcorp
Classification: Uncertain significance for Episodic pain syndrome, familial, 3; Neuropathy, hereditary sensory and autonomic, type VII. Last evaluated: 2019-10-17. Review status: criteria provided, single submitter. Criteria: Invitae Variant Classification Sherloc (09022015). Collection method: clinical testing. Allele origin: germline.
Comment: This sequence change replaces isoleucine with phenylalanine at codon 1286 of the SCN11A protein (p.Ile1286Phe). The isoleucine residue is weakly conserved and there is a small physicochemical difference between isoleucine and phenylalanine. This variant is not present in population databases (ExAC no frequency). This variant has not been reported in the literature in individuals with SCN11A-related conditions. Algorithms developed to predict the effect of missense changes on protein structure and function are either unavailable or do not agree on the potential impact of this missense change (SIFT: "Tolerated"; PolyPhen-2: "Benign"; Align-GVGD: "Class C0"). In summary, the available evidence is currently insufficient to determine the role of this variant in disease. Therefore, it has been classified as a Variant of Uncertain Significance.

NM_001349253.2(SCN11A):c.3856A>T (p.Ile1286Phe)

Gene: SCN11A (sodium voltage-gated channel alpha subunit 11; minus strand). Cytogenetic location: 3p22.2.
Variant type: single nucleotide variant.
Coding change: c.3856A>T on transcript NM_001349253.2 (MANE Select); coding-DNA position 3856, A replaced by T.
Protein change: p.Ile1286Phe; replaces isoleucine 1286 with phenylalanine.
Molecular consequence: missense variant.
Genome position (GRCh38, 1-based): chr3:38,867,416, T>A on the plus strand (A>T on the coding strand, the complement: SCN11A is on the minus strand). VCF-style: chr3-38867416-T-A. GRCh37 (hg19) VCF-style: chr3-38908907-T-A.
Other names: c.3856A>T, p.Ile1286Phe (NM_014139.3); short protein forms I1286F.
Identifiers: ClinVar variation 959792 (VCV000959792.1), dbSNP rs752151721, ClinGen allele CA352169463.